The following is an entry in ClinVar:

ClinVar aggregate classification (germline): Uncertain significance (1 of 4 stars; one submission).

Conditions:
Snijders Blok-Campeau syndrome. Also called: INTELLECTUAL DEVELOPMENTAL DISORDER WITH MACROCEPHALY, SPEECH DELAY, AND DYSMORPHIC FACIES. Identifiers: Orphanet 599082, MedGen C4748701, MONDO:0032600, OMIM 618205.

Submission:

3billion
Classification: Uncertain significance for Snijders Blok-Campeau syndrome. Last evaluated: 2025-12-18. Review status: criteria provided, single submitter. Criteria: ACMG Guidelines, 2015. Collection method: clinical testing. Allele origin: germline. Affected: yes.
Comment: The variant is not observed in the gnomAD v4.1.0 dataset. Predicted Consequence/Location: Missense variant In silico tool predictions suggest damaging effect of the variant on gene or gene product [REVEL: 0.66 (>=0.6, sensitivity 0.68 and specificity 0.92)]. Therefore, this variant is classified as VUS according to the recommendation of ACMG/AMP guideline.

NM_001005273.3(CHD3):c.5566C>G (p.Pro1856Ala)

Gene: CHD3 (chromodomain helicase DNA binding protein 3; plus strand). Cytogenetic location: 17p13.1.
Variant type: single nucleotide variant.
Coding change: c.5566C>G on transcript NM_001005273.3 (MANE Select); coding-DNA position 5566, C replaced by G.
Protein change: p.Pro1856Ala; replaces proline 1856 with alanine.
Molecular consequence: missense variant.
Genome position (GRCh38, 1-based): chr17:7,909,314, C>G. VCF-style: chr17-7909314-C-G. GRCh37 (hg19) VCF-style: chr17-7812632-C-G.
Other names: c.5743C>G, p.Pro1915Ala (NM_001437504.1, NM_001005271.3); c.5731C>G, p.Pro1911Ala (NM_001437507.1); c.5629C>G, p.Pro1877Ala (NM_001437508.1); c.5734C>G, p.Pro1912Ala (NM_001437509.1); c.5464C>G, p.Pro1822Ala (NM_005852.4); short protein forms P1822A, P1856A, P1877A, P1911A, P1912A, P1915A.
Identifiers: ClinVar variation 4855770 (VCV004855770.1).